The following is an entry in ClinVar:

ClinVar aggregate classification (germline): Uncertain significance (1 of 4 stars; one submission).

Conditions:
Cystic fibrosis (CF). Also called: MUCOVISCIDOSIS. Identifiers: Orphanet 586, MedGen C0010674, MONDO:0009061, OMIM 219700. Disease mechanism: loss of function.

Submission:

Ambry Genetics
Classification: Uncertain significance for Cystic fibrosis. Last evaluated: 2024-05-16. Review status: criteria provided, single submitter. Criteria: Ambry Variant Classification Scheme 2023. Collection method: clinical testing. Allele origin: germline.
Comment: The p.E827K variant (also known as c.2479G>A), located in coding exon 14 of the CFTR gene, results from a G to A substitution at nucleotide position 2479. The glutamic acid at codon 827 is replaced by lysine, an amino acid with similar properties. This amino acid position is conserved. In addition, this alteration is predicted to be deleterious by in silico analysis. Based on the available evidence, the clinical significance of this variant remains unclear.

NM_000492.4(CFTR):c.2479G>A (p.Glu827Lys)

Gene: CFTR (CF transmembrane conductance regulator; plus strand). Cytogenetic location: 7q31.2.
Variant type: single nucleotide variant.
Coding change: c.2479G>A on transcript NM_000492.4 (MANE Select); coding-DNA position 2479, G replaced by A.
Protein change: p.Glu827Lys; replaces glutamic acid 827 with lysine.
Molecular consequence: missense variant.
Genome position (GRCh38, 1-based): chr7:117,592,646, G>A. VCF-style: chr7-117592646-G-A. GRCh37 (hg19) VCF-style: chr7-117232700-G-A.
Other names: short protein forms E827K.
Identifiers: ClinVar variation 3266676 (VCV003266676.1).